The following is an entry in ClinVar:

NM_018249.6(CDK5RAP2):c.1306A>G (p.Ile436Val)

Gene: CDK5RAP2 (CDK5 regulatory subunit associated protein 2; minus strand). Cytogenetic location: 9q33.2.
Variant type: single nucleotide variant.
Coding change: c.1306A>G on transcript NM_018249.6 (MANE Select); coding-DNA position 1306, A replaced by G.
Protein change: p.Ile436Val; replaces isoleucine 436 with valine.
Molecular consequence: missense variant. On other transcripts: non-coding transcript variant (5).
Genome position (GRCh38, 1-based): chr9:120,518,432, T>C on the plus strand (A>G on the coding strand, the complement: CDK5RAP2 is on the minus strand). VCF-style: chr9-120518432-T-C. GRCh37 (hg19) VCF-style: chr9-123280710-T-C.
Other names: c.1306A>G, p.Ile436Val (NM_001011649.3, NM_001272039.2, NM_001410992.1 and 2 more transcripts); short protein forms I436V.
Identifiers: ClinVar variation 3654486 (VCV003654486.2).

ClinVar aggregate classification (germline): Uncertain significance (1 of 4 stars; one submission).

Submission:

Labcorp Genetics (formerly Invitae), Labcorp
Classification: Uncertain significance. Last evaluated: 2024-07-26. Review status: criteria provided, single submitter. Criteria: Invitae Variant Classification Sherloc (09022015). Collection method: clinical testing. Allele origin: germline.
Comment: This sequence change replaces isoleucine, which is neutral and non-polar, with valine, which is neutral and non-polar, at codon 436 of the CDK5RAP2 protein (p.Ile436Val). This variant is not present in population databases (gnomAD no frequency). This variant has not been reported in the literature in individuals affected with CDK5RAP2-related conditions. An algorithm developed to predict the effect of missense changes on protein structure and function outputs the following: PolyPhen-2: "Benign". The valine amino acid residue is found in multiple mammalian species, which suggests that this missense change does not adversely affect protein function. In summary, the available evidence is currently insufficient to determine the role of this variant in disease. Therefore, it has been classified as a Variant of Uncertain Significance.